The following is an entry in ClinVar:

ClinVar aggregate classification (germline): Uncertain significance (1 of 4 stars; one submission).

Submission:

Labcorp Genetics (formerly Invitae), Labcorp
Classification: Uncertain significance. Last evaluated: 2021-10-21. Review status: criteria provided, single submitter. Criteria: Invitae Variant Classification Sherloc (09022015). Collection method: clinical testing. Allele origin: germline.
Comment: A copy number gain of the genomic region encompassing the full coding sequence of the PAX1 gene has been identified. The boundaries of this event are unknown as they extend beyond the assayed region for this gene and therefore may encompass additional genes. As the precise location of this event is unknown, it may be in tandem or it may be located elsewhere in the genome. This variant has not been reported in the literature in individuals affected with PAX1-related conditions. Experimental studies and prediction algorithms are not available or were not evaluated, and the functional significance of this variant is currently unknown. In summary, the available evidence is currently insufficient to determine the role of this variant in disease. Therefore, it has been classified as a Variant of Uncertain Significance.

NC_000020.10:g.(?_21686351)_(21695441_?)dup

Gene: PAX1 (paired box 1; plus strand). Cytogenetic location: 20p11.22.
Variant type: Duplication.
Identifiers: ClinVar variation 2425521 (VCV002425521.3).